The following is an entry in ClinVar:

NM_007294.4(BRCA1):c.349dup (p.His117fs)

Gene: BRCA1 (BRCA1 DNA repair associated; minus strand). Cytogenetic location: 17q21.31.
Variant type: Duplication.
Coding change: c.349dup on transcript NM_007294.4 (MANE Select); coding-DNA position 349, one base duplicated (C; older notation c.349dupC).
Protein change: p.His117fs; shifts the reading frame from histidine 117.
Molecular consequence: frameshift variant. On other transcripts: non-coding transcript variant (1).
Genome position (GRCh38, 1-based): chr17:43,104,214, G duplicated on the plus strand (C on the coding strand, the reverse complement: BRCA1 is on the minus strand). VCF-style (leftmost placement, unchanged base first): chr17-43104213-T-TG. GRCh37 (hg19) VCF-style: chr17-41256230-T-TG.
Other names: c.349dup, p.His117Profs (NM_007304.2, NM_001407610.1, NM_001407612.1 and 163 more transcripts); c.208dup, p.His70Profs (NM_001407696.1, NM_001407697.1, NM_001407698.1 and 98 more transcripts); c.139dup, p.His47Profs (NM_001407853.1, NM_001407879.1, NM_001407881.1 and 58 more transcripts); c.271dup, p.His91Profs (NM_001407862.1, NM_001407874.1, NM_001407875.1 and 21 more transcripts); c.-33dup (NM_001407959.1, NM_001407960.1, NM_001407962.1 and 4 more transcripts); c.340dup, p.His114Profs (NM_001408408.1, NM_001407646.1, NM_001407647.1); c.217dup, p.His73Profs (NM_001408451.1); c.208dup, p.His70fs (NM_007297.4); and 2 more; short protein forms H117fs, H70fs.
Identifiers: ClinVar variation 1732025 (VCV001732025.2), dbSNP rs2552251957, ClinGen allele CA2580093805.

ClinVar aggregate classification (germline): Pathogenic (1 of 4 stars; one submission).

Conditions:
Hereditary cancer-predisposing syndrome. Also called: Neoplastic Syndromes, Hereditary; Tumor predisposition; Hereditary Cancer Syndrome; Hereditary neoplastic syndrome. Identifiers: Orphanet 140162, MedGen C0027672, MeSH D009386, MONDO:0015356.

Submission:

Ambry Genetics
Classification: Pathogenic for Hereditary cancer-predisposing syndrome. Last evaluated: 2022-09-19. Review status: criteria provided, single submitter. Criteria: Ambry Variant Classification Scheme 2023. Collection method: clinical testing. Allele origin: germline.
Comment: The c.349dupC pathogenic mutation, located in coding exon 5 of the BRCA1 gene, results from a duplication of C at nucleotide position 349, causing a translational frameshift with a predicted alternate stop codon (p.H117Pfs*5). This variant is considered to be rare based on population cohorts in the Genome Aggregation Database (gnomAD). This alteration is expected to result in loss of function by premature protein truncation or nonsense-mediated mRNA decay. As such, this alteration is interpreted as a disease-causing mutation.